The following is an entry in ClinVar:

ClinVar aggregate classification (germline): Uncertain significance (1 of 4 stars; one submission).

Conditions:
Atrial fibrillation, familial, 14 (ATFB14). Identifiers: MedGen C3809312, MONDO:0014156, OMIM 615378.

Allele frequency attached by ClinVar (database versions not stated): ExAC 0.00001; gnomAD exomes 0.00001.
gnomAD v4.1: 17 of 1,614,208 alleles (0.0011%); highest among the groups gnomAD compares: Non-Finnish European, 0.0014%; no homozygotes.

Submission:

Labcorp Genetics (formerly Invitae), Labcorp
Classification: Uncertain significance for Atrial fibrillation, familial, 14. Last evaluated: 2019-10-25. Review status: criteria provided, single submitter. Criteria: Invitae Variant Classification Sherloc (09022015). Collection method: clinical testing. Allele origin: germline.
Comment: This variant is present in population databases (rs767512158, ExAC 0.002%). This sequence change replaces methionine with isoleucine at codon 85 of the SCN2B protein (p.Met85Ile). The methionine residue is highly conserved and there is a small physicochemical difference between methionine and isoleucine. This variant has not been reported in the literature in individuals with SCN2B-related conditions. In summary, the available evidence is currently insufficient to determine the role of this variant in disease. Therefore, it has been classified as a Variant of Uncertain Significance. Algorithms developed to predict the effect of missense changes on protein structure and function (SIFT, PolyPhen-2, Align-GVGD) all suggest that this variant is likely to be tolerated, but these predictions have not been confirmed by published functional studies and their clinical significance is uncertain.

NM_004588.5(SCN2B):c.255G>T (p.Met85Ile)

Gene: SCN2B (sodium voltage-gated channel beta subunit 2; minus strand). Cytogenetic location: 11q23.3.
Variant type: single nucleotide variant.
Coding change: c.255G>T on transcript NM_004588.5 (MANE Select); coding-DNA position 255, G replaced by T.
Protein change: p.Met85Ile; replaces methionine 85 with isoleucine.
Molecular consequence: missense variant.
Genome position (GRCh38, 1-based): chr11:118,168,278, C>A on the plus strand (G>T on the coding strand, the complement: SCN2B is on the minus strand). VCF-style: chr11-118168278-C-A. GRCh37 (hg19) VCF-style: chr11-118038993-C-A.
Other names: short protein forms M85I.
Identifiers: ClinVar variation 956126 (VCV000956126.9), dbSNP rs767512158, ClinGen allele CA6300491.
Genomic context (GRCh38, chr11:118,168,278, plus strand): 5'-GGGGTTCCCTGAGAACTCCACGCGGTCTTGAAACCGCTCCAGCTTCAGGTTAATGATCTT[C>A]ATGCGGAACTGGAGGAACTGGGGTTGGAGCAAGGGACAGGATGGGTGGCTGGATGAGCAA-3'
Protein context (NP_004579.1, residues 75-95): CSEEMFLQFR[Met85Ile]KIINLKLERF